The following is an entry in ClinVar:

ClinVar aggregate classification (germline): Likely benign (1 of 4 stars; one submission).

Submission:

CeGaT Center for Human Genetics Tuebingen
Classification: Likely benign. Last evaluated: 2026-03-01. Review status: criteria provided, single submitter. Criteria: CeGaT Center For Human Genetics Tuebingen Variant Classification Criteria Version 2. Collection method: clinical testing. Allele origin: germline. Affected: yes. Observed: 1 variant allele.
Comment: MUC5B: BP4, BP7

NM_002458.3(MUC5B):c.3876C>T (p.Asn1292=)

Gene: MUC5B (mucin 5B, oligomeric mucus/gel-forming; plus strand). Cytogenetic location: 11p15.5.
Variant type: single nucleotide variant.
Coding change: c.3876C>T on transcript NM_002458.3 (MANE Select); coding-DNA position 3876, C replaced by T.
Protein change: p.Asn1292=; no amino-acid change (asparagine 1292 retained).
Molecular consequence: synonymous variant.
Genome position (GRCh38, 1-based): chr11:1,240,281, C>T. VCF-style: chr11-1240281-C-T. GRCh37 (hg19) VCF-style: chr11-1261511-C-T.
Identifiers: ClinVar variation 4821191 (VCV004821191.4).